The following is an entry in ClinVar:

ClinVar aggregate classification (germline): Conflicting classifications of pathogenicity. Review status: criteria provided, conflicting classifications (1 of 4 stars). 5 submissions from 5 submitters: Uncertain significance (3); Likely benign (2). Last evaluated 2025-02-12.

Conditions:
Inborn genetic diseases. Identifiers: MedGen C0950123, MeSH D030342.
Brody myopathy. Also called: BRODY DISEASE. Identifiers: Orphanet 53347, MedGen C1832918, MONDO:0010977, OMIM 601003.

Allele frequency attached by ClinVar (database versions not stated): TOPMed 0.00003; gnomAD 0.00005 and 0.00006.
gnomAD v4.1: 143 of 1,613,218 alleles (0.0089%); highest among the groups gnomAD compares: Non-Finnish European, 0.012%; no homozygotes.

Submissions (5):

GeneDx
Classification: Uncertain significance. Last evaluated: 2025-02-12. Review status: criteria provided, single submitter. Criteria: GeneDx Variant Classification Process June 2021. Collection method: clinical testing. Allele origin: germline. Affected: yes.
Comment: Not observed at significant frequency in large population cohorts (gnomAD); In silico analysis indicates that this missense variant does not alter protein structure/function; Has not been previously published as pathogenic or benign to our knowledge

Blueprint Genetics
Classification: Likely benign. Last evaluated: 2024-06-07. Review status: criteria provided, single submitter. Criteria: ACMG Guidelines, 2015. Collection method: clinical testing. Allele origin: germline.

Ambry Genetics
Classification: Likely benign for Inborn genetic diseases. Last evaluated: 2024-01-02. Review status: criteria provided, single submitter. Criteria: Ambry Variant Classification Scheme 2023. Collection method: clinical testing. Allele origin: germline.

Revvity Omics, Revvity
Classification: Uncertain significance for Brody myopathy. Last evaluated: 2023-06-13. Review status: criteria provided, single submitter. Criteria: ACMG Guidelines, 2015. Collection method: clinical testing. Allele origin: germline.

Labcorp Genetics (formerly Invitae), Labcorp
Classification: Uncertain significance for Brody myopathy. Last evaluated: 2023-04-11. Review status: criteria provided, single submitter. Criteria: Invitae Variant Classification Sherloc (09022015). Collection method: clinical testing. Allele origin: germline.
Comment: This variant is present in population databases (rs771772555, gnomAD 0.01%). This sequence change replaces arginine, which is basic and polar, with glutamine, which is neutral and polar, at codon 960 of the ATP2A1 protein (p.Arg960Gln). This variant has not been reported in the literature in individuals affected with ATP2A1-related conditions. In summary, the available evidence is currently insufficient to determine the role of this variant in disease. Therefore, it has been classified as a Variant of Uncertain Significance. Algorithms developed to predict the effect of missense changes on protein structure and function output the following: SIFT: "Not Available"; PolyPhen-2: "Benign"; Align-GVGD: "Not Available". The glutamine amino acid residue is found in multiple mammalian species, which suggests that this missense change does not adversely affect protein function. ClinVar contains an entry for this variant (Variation ID: 1062524).

NM_004320.6(ATP2A1):c.2879G>A (p.Arg960Gln)

Gene: ATP2A1 (ATPase sarcoplasmic/endoplasmic reticulum Ca2+ transporting 1; plus strand). Cytogenetic location: 16p11.2.
Variant type: single nucleotide variant.
Coding change: c.2879G>A on transcript NM_004320.6 (MANE Select); coding-DNA position 2879, G replaced by A.
Protein change: p.Arg960Gln; replaces arginine 960 with glutamine.
Molecular consequence: missense variant.
Genome position (GRCh38, 1-based): chr16:28,903,339, G>A. VCF-style: chr16-28903339-G-A. GRCh37 (hg19) VCF-style: chr16-28914660-G-A.
Other names: c.2504G>A, p.Arg835Gln (NM_001286075.2); c.2879G>A, p.Arg960Gln (NM_173201.5); c.2879G>A (NM_173201.4, NM_173201.3); short protein forms R835Q, R960Q.
Identifiers: ClinVar variation 1062524 (VCV001062524.12), dbSNP rs771772555, ClinGen allele CA7987440.